The following is an entry in ClinVar:

ClinVar aggregate classification (germline): Pathogenic/Likely pathogenic. Review status: criteria provided, multiple submitters, no conflicts (2 of 4 stars). 6 submissions from 5 submitters: Pathogenic (3); Likely pathogenic (3). Last evaluated 2024-12-11.

Conditions:
Intellectual developmental disorder, autosomal dominant 42. Also called: Intellectual disability, autosomal dominant 42; GNB1 Encephalopathy; Global developmental delay-neuro-ophthalmological abnormalities-seizures-intellectual disability syndrome. Identifiers: Orphanet 488613, MedGen C4310774, MONDO:0014855, OMIM 616973.
GNB1-related disorder. Also called: GNB1-related condition.
Intellectual disability. Also called: Intellectual functioning disability; Intellectual developmental disorder; intellectual disabilities. Identifiers: MedGen C3714756, MeSH D008607, MONDO:0001071, HP:0001249.
Inborn genetic diseases. Identifiers: MedGen C0950123, MeSH D030342.

Submissions (6):

PreventionGenetics, part of Exact Sciences
Classification: Pathogenic for GNB1-related condition. Last evaluated: 2024-12-11. Review status: criteria provided, single submitter. Criteria: ACMG Guidelines, 2015. Collection method: clinical testing. Allele origin: germline.
Comment: The GNB1 c.230G>A variant is predicted to result in the amino acid substitution p.Gly77Asp. This variant has been reported in individuals with neurodevelopmental disorders and is described as de novo in one of the individuals (Table S1 in Halfmeyer et al. 2022. PubMed ID: 36672771; Supplementary Table 1 in Lunke et al. 2023. PubMed ID: 37291213). Other nucleotide changes affecting the same amino acid (p.Gly77Ser, p.Gly77Arg, and p.Gly77Val) have been reported as de novo variants in individuals affected with neurodevelopmental disorder (Petrovski et al. 2016. PubMed ID: 27108799; Hemati et al. 2018. PubMed ID: 30194818; Szczałuba et al. 2017. PubMed ID: 29174093). This variant has not been reported in a large population database (gnomAD), indicating this variant is rare. Taken together, this variant is interpreted as pathogenic.

GeneDx
Classification: Pathogenic. Last evaluated: 2024-01-03. Review status: criteria provided, single submitter. Criteria: GeneDx Variant Classification Process June 2021. Collection method: clinical testing. Allele origin: germline.
Comment: In silico analysis supports that this missense variant has a deleterious effect on protein structure/function; Not observed at significant frequency in large population cohorts (gnomAD); This variant is associated with the following publications: (PMID: 36672771)

Institute of Human Genetics, University of Leipzig Medical Center
Classification: Likely pathogenic for Intellectual developmental disorder, autosomal dominant 42. Last evaluated: 2023-06-29. Review status: criteria provided, single submitter. Criteria: ACMG Guidelines, 2015. Collection method: clinical testing. Allele origin: de novo. Inheritance: Autosomal dominant inheritance. Affected: yes.

Institute of Human Genetics, University of Leipzig Medical Center
Classification: Likely pathogenic for Intellectual disability. Last evaluated: 2021-02-25. Review status: criteria provided, single submitter. Criteria: ACMG Guidelines, 2015. Collection method: clinical testing. Allele origin: de novo. Inheritance: Autosomal dominant inheritance. Affected: yes.
Comment: Inheritance was de novo (heterozygous). The variant was reviewed according to current ACMG recommendations and classified as Likely Pathogenic (criteria: PS2_Moderate, PS4_Supporting, PM2_Supporting, PM5_Moderate, PP2_Supporting, PP3_Supporting).

Ambry Genetics
Classification: Likely pathogenic for Inborn genetic diseases. Last evaluated: 2020-01-02. Review status: criteria provided, single submitter. Criteria: Ambry Variant Classification Scheme 2023. Collection method: clinical testing. Allele origin: germline.
Comment: The alteration results in an amino acid change:_x000D_ _x000D_ The c.230G>A (p.G77D) alteration is located in exon 6 (coding exon 4) of the GNB1 gene. This alteration results from a G to A substitution at nucleotide position 230, causing the glycine (G) at amino acid position 77 to be replaced by an aspartic acid (D). The alteration is not observed in population databases: _x000D_ _x000D_ Based on data from the Genome Aggregation Database (gnomAD), the GNB1 c.230G>A alteration was not observed, with coverage at this position. Alterations at the same codon has been observed in affected individuals:_x000D_ _x000D_ Several alterations have been described at the same codon to occur de novo in patients with a neurodevelopmental phenotype, including p.G77S, p.G77V, p.G77R, and p.G77A. All patients present with global developmental delay and hypotonia, while additional features have been reported in some including congenital defects, dystonia, eye abnormalities, acute lymphoblastic leukemia, and cutaneous mastocystosis (Brett, 2017; Hemati, 2018; Petrovski, 2016; Szcaluba, 2018). Additionally, de novo changes in neighboring amino acid residues (p.D76 and p.K78) have been reported in three additional individuals with global developmental delay, hypotonia, and epilepsy (Petrovski, 2016). The altered amino acid is conserved throughout evolution:_x000D_ _x000D_ The p.G77 amino acid is conserved in available vertebrate species. The amino acid is located in a functionally important protein domain:_x000D_ _x000D_ The p.G77 amino acid is located in a WD40 repeat region in the amino-terminal interface of GNB1. Crystal structures of heterotrimeric G-alpha-beta-gamma have demonstrated that this is a region of interaction between the G-protein beta subunit and alpha subunit (Ford, 1998). The adjacent p.K78 residue is reported to play an important role in regulating activation of adenylyl cyclase 2, inhibition of calcium channels, and activation of potassium channels (Ford, 1998; Petrovski, 2016). The alteration is predicted deleterious by in silico models:_x000D_ _x000D_ The p.G77D alteration is predicted to be probably damaging by Polyphen and deleterious by SIFT in silico analyses. Based on the available evidence, this alteration is classified as likely pathogenic.

Victorian Clinical Genetics Services, Murdoch Childrens Research Institute
Classification: Pathogenic for Intellectual developmental disorder, autosomal dominant 42. Review status: criteria provided, single submitter. Criteria: ACMG Guidelines, 2015. Collection method: clinical testing. Allele origin: de novo. Affected: yes.
Comment: - Variant is absent from gnomAD (both v2 and v3). - Variant is located in a hotspot region or cluster of pathogenic variants (DECIPHER). - Other missense variants comparable to the one identified in this case have strong previous evidence for pathogenicity. Four other missense variants have been reported in at least nine probands with neurodevelopmental delay and reported de novo where inheritance information were provided (ClinVar, DECIPHER, PMID: 27108799, 29174093, 30194818). - This variant has moderate previous evidence of pathogenicity in unrelated individuals. It has been reported in at least two probands, one of whom was reported to be de novo (ClinVar). Additional information: - Loss of function is a known mechanism of disease in this gene and is associated with intellectual disability, autosomal dominant 42 (MIM#616973). - This gene is associated with autosomal dominant disease. - Variant is predicted to result in a missense amino acid change from glycine to aspartic acid. - This variant is heterozygous. - An alternative amino acid change at the same position has been observed in gnomAD (v3: 1 heterozygote, 0 homozygotes). - Missense variant with conflicting in silico predictions and uninformative conservation. - No published segregation evidence has been identified for this variant. - No published functional evidence has been identified for this variant.

Literature cited by the submitters: PubMed 9596582 (cited by Ambry Genetics); PubMed 27108799 (cited by Ambry Genetics); PubMed 27759915 (cited by Ambry Genetics); PubMed 29174093 (cited by Ambry Genetics); PubMed 30194818 (cited by Ambry Genetics).

NM_002074.5(GNB1):c.230G>A (p.Gly77Asp)

Gene: GNB1 (G protein subunit beta 1; minus strand). Cytogenetic location: 1p36.33.
Variant type: single nucleotide variant.
Coding change: c.230G>A on transcript NM_002074.5 (MANE Select); coding-DNA position 230, G replaced by A.
Protein change: p.Gly77Asp; replaces glycine 77 with aspartic acid.
Molecular consequence: missense variant. On other transcripts: 5 prime UTR variant (1).
Genome position (GRCh38, 1-based): chr1:1,806,512, C>T on the plus strand (G>A on the coding strand, the complement: GNB1 is on the minus strand). VCF-style: chr1-1806512-C-T. GRCh37 (hg19) VCF-style: chr1-1737951-C-T.
Other names: c.-71G>A (NM_001282538.2); c.230G>A, p.Gly77Asp (NM_001282539.2); c.230G>A (NM_002074.4); short protein forms G77D.
Identifiers: ClinVar variation 985590 (VCV000985590.11), dbSNP rs1135401746, ClinGen allele CA337916387.